The following is an entry in ClinVar:

NM_001385012.1(NBEA):c.2826C>A (p.Leu942=)

Gene: NBEA (neurobeachin; plus strand). Cytogenetic location: 13q13.3.
Variant type: single nucleotide variant.
Coding change: c.2826C>A on transcript NM_001385012.1 (MANE Select); coding-DNA position 2826, C replaced by A.
Protein change: p.Leu942=; no amino-acid change (leucine 942 retained).
Molecular consequence: synonymous variant.
Genome position (GRCh38, 1-based): chr13:35,157,252, C>A. VCF-style: chr13-35157252-C-A. GRCh37 (hg19) VCF-style: chr13-35731389-C-A.
Other names: c.2826C>A, p.Leu942= (NM_001379245.1, NM_015678.5).
Identifiers: ClinVar variation 1694701 (VCV001694701.31), dbSNP rs751528429, ClinGen allele CA483188297.

ClinVar aggregate classification (germline): Likely benign (1 of 4 stars; one submission).

gnomAD v4.1: 19 of 1,572,894 alleles (0.0012%); highest among the groups gnomAD compares: Non-Finnish European, 0.0014%; no homozygotes.

Submission:

CeGaT Center for Human Genetics Tuebingen
Classification: Likely benign. Last evaluated: 2022-04-01. Review status: criteria provided, single submitter. Criteria: CeGaT Center For Human Genetics Tuebingen Variant Classification Criteria Version 2. Collection method: clinical testing. Allele origin: germline. Affected: yes. Observed: 1 variant allele.
Comment: NBEA: BP4, BP7